The following is an entry in ClinVar:

ClinVar aggregate classification (germline): Likely benign. Review status: criteria provided, multiple submitters, no conflicts (2 of 4 stars). 2 submissions from 2 submitters: Likely benign (2). Last evaluated 2024-05-29.

Conditions:
Charcot-Marie-Tooth disease axonal type 2O. Also called: CHARCOT-MARIE-TOOTH NEUROPATHY, AXONAL, TYPE 2O; CHARCOT-MARIE-TOOTH DISEASE, AXONAL, AUTOSOMAL DOMINANT, TYPE 2O; Charcot-Marie-Tooth Neuropathy Type 2O; Charcot-Marie-Tooth disease, axonal, type 20. Identifiers: Orphanet 284232, MedGen C3280220, MONDO:0013644, OMIM 614228.

Allele frequency attached by ClinVar (database versions not stated): gnomAD exomes below 0.00001; gnomAD 0.00001; TOPMed 0.00002.
gnomAD v4.1: 4 of 1,614,002 alleles (0.00025%); highest among the groups gnomAD compares: African/African-American, 0.0027%; no homozygotes.

Submissions (2):

Labcorp Genetics (formerly Invitae), Labcorp
Classification: Likely benign for Charcot-Marie-Tooth disease axonal type 2O. Last evaluated: 2024-05-29. Review status: criteria provided, single submitter. Criteria: Invitae Variant Classification Sherloc (09022015). Collection method: clinical testing. Allele origin: germline.

GeneDx
Classification: Likely benign. Last evaluated: 2016-07-13. Review status: criteria provided, single submitter. Criteria: GeneDx Variant Classification (06012015). Collection method: clinical testing. Allele origin: germline. Affected: yes.
Comment: This variant is considered likely benign or benign based on one or more of the following criteria: it is a conservative change, it occurs at a poorly conserved position in the protein, it is predicted to be benign by multiple in silico algorithms, and/or has population frequency not consistent with disease.

NM_001376.5(DYNC1H1):c.7476A>G (p.Arg2492=)

Gene: DYNC1H1 (dynein cytoplasmic 1 heavy chain 1; plus strand). Cytogenetic location: 14q32.31.
Variant type: single nucleotide variant.
Coding change: c.7476A>G on transcript NM_001376.5 (MANE Select); coding-DNA position 7476, A replaced by G.
Protein change: p.Arg2492=; no amino-acid change (arginine 2492 retained).
Molecular consequence: synonymous variant.
Genome position (GRCh38, 1-based): chr14:102,016,351, A>G. VCF-style: chr14-102016351-A-G. GRCh37 (hg19) VCF-style: chr14-102482688-A-G.
Identifiers: ClinVar variation 387245 (VCV000387245.8), dbSNP rs1050550035, ClinGen allele CA16606756.
Genomic context (GRCh38, chr14:102,016,351, plus strand): 5'-GTCTTTCTTTTGTTGTTGAAATTTTATAAAAATCAAAGTTTAATTCCCTTTTTAATAGCG[A>G]TATCTGGTTTATGCCATACTCTGGTCCCTGTCTGGAGACAGCCGGCTAAAAATGAGAGCA-3'
Protein context (NP_001367.2, residues 2482-2502): QIEQLERYIQ[Arg2492=]YLVYAILWSL